The following is an entry in ClinVar:

ClinVar aggregate classification (germline): Benign. Review status: criteria provided, multiple submitters, no conflicts (2 of 4 stars). 4 submissions from 2 submitters: Benign (4). Last evaluated 2018-01-13.

Conditions:
Chronic infantile neurological, cutaneous and articular syndrome (CINCA). Also called: CINCA syndrome; Prieur Griscelli syndrome; CRYOPYRIN-ASSOCIATED PERIODIC SYNDROME 3; CHRONIC NEUROLOGIC CUTANEOUS AND ARTICULAR SYNDROME. Identifiers: Orphanet 1451, MedGen C0409818, MONDO:0011776, OMIM 607115.
Familial cold autoinflammatory syndrome 1 (FCAS1). Also called: CRYOPYRIN-ASSOCIATED PERIODIC SYNDROME 1; Familial cold inflammatory syndrome 1. Identifiers: Orphanet 47045, MedGen C4551895, MONDO:0007349, OMIM 120100.
Familial amyloid nephropathy with urticaria AND deafness (MWS). Also called: UDA SYNDROME; URTICARIA-DEAFNESS-AMYLOIDOSIS SYNDROME; MUCKLE-WELLS SYNDROME; Urticaria, deafness and amyloidosis; CRYOPYRIN-ASSOCIATED PERIODIC SYNDROME 2. Identifiers: Orphanet 575, MedGen C0268390, MONDO:0008633, OMIM 191900.

Allele frequency attached by ClinVar (database versions not stated): gnomAD exomes 0.12355; 1000 Genomes Project 0.13159; gnomAD 0.16904 and 0.17224; TOPMed 0.17128.

Submissions (4):

Illumina Laboratory Services, Illumina
Classification: Benign for Chronic infantile neurological, cutaneous and articular syndrome. Last evaluated: 2018-01-13. Review status: criteria provided, single submitter. Criteria: ICSL Variant Classification Criteria 13 December 2019. Collection method: clinical testing. Allele origin: germline.
Comment: This variant was observed in the ICSL laboratory as part of a predisposition screen in an ostensibly healthy population. It had not been previously curated by ICSL or reported in the Human Gene Mutation Database (HGMD: prior to June 1st, 2018), and was therefore a candidate for classification through an automated scoring system. Utilizing variant allele frequency, disease prevalence and penetrance estimates, and inheritance mode, an automated score was calculated to assess if this variant is too frequent to cause the disease. Based on the score and internal cut-off values, a variant classified as benign is not then subjected to further curation. The score for this variant resulted in a classification of benign for this disease.

Illumina Laboratory Services, Illumina
Classification: Benign for Familial cold autoinflammatory syndrome 1. Last evaluated: 2018-01-13. Review status: criteria provided, single submitter. Criteria: ICSL Variant Classification Criteria 13 December 2019. Collection method: clinical testing. Allele origin: germline.
Comment: the same text as in the submission from Illumina Laboratory Services, Illumina above.

Illumina Laboratory Services, Illumina
Classification: Benign for Familial amyloid nephropathy with urticaria AND deafness. Last evaluated: 2018-01-13. Review status: criteria provided, single submitter. Criteria: ICSL Variant Classification Criteria 13 December 2019. Collection method: clinical testing. Allele origin: germline.
Comment: the same text as in the submission from Illumina Laboratory Services, Illumina above.

Breakthrough Genomics
Classification: Benign. Review status: criteria provided, single submitter. Criteria: ACMG Guidelines, 2015. Collection method: not provided. Allele origin: germline. Inheritance: Autosomal dominant inheritance. Affected: yes.

NM_004895.4(NLRP3):c.*396T>A

Gene: NLRP3 (NLR family pyrin domain containing 3; plus strand). Cytogenetic location: 1q44.
Variant type: single nucleotide variant.
Coding change: c.*396T>A on transcript NM_004895.4; 396 bases downstream of the stop codon, T replaced by A.
Genome position (GRCh38, 1-based): chr1:247,448,900, T>A. VCF-style: chr1-247448900-T-A. GRCh37 (hg19) VCF-style: chr1-247612202-T-A.
Identifiers: ClinVar variation 296960 (VCV000296960.8), dbSNP rs10802501, ClinGen allele CA10610788.